The following is an entry in ClinVar:

NM_174936.4(PCSK9):c.1590C>A (p.Pro530=)

Gene: PCSK9 (proprotein convertase subtilisin/kexin type 9; plus strand). Cytogenetic location: 1p32.3.
Variant type: single nucleotide variant.
Coding change: c.1590C>A on transcript NM_174936.4 (MANE Select); coding-DNA position 1590, C replaced by A.
Protein change: p.Pro530=; no amino-acid change (proline 530 retained).
Molecular consequence: synonymous variant. On other transcripts: non-coding transcript variant (7), intron variant (1).
Genome position (GRCh38, 1-based): chr1:55,059,572, C>A. VCF-style: chr1-55059572-C-A. GRCh37 (hg19) VCF-style: chr1-55525245-C-A.
Other names: c.1713C>A, p.Pro571= (NM_001407240.1); c.1632C>A, p.Pro544= (NM_001407241.1); c.1593C>A, p.Pro531= (NM_001407242.1); c.1533C>A, p.Pro511= (NM_001407243.1); c.1416C>A, p.Pro472= (NM_001407244.1); c.1398C>A, p.Pro466= (NM_001407245.1); c.1215C>A, p.Pro405= (NM_001407246.1); c.1181-1803C>A (NM_001407247.1).
Identifiers: ClinVar variation 3387455 (VCV003387455.1).

ClinVar aggregate classification (germline): Likely benign (1 of 4 stars; one submission).

Conditions:
Hypercholesterolemia, autosomal dominant, 3 (FHCL3). Also called: Familial Hypercholesterolemia, Autosomal Dominant, 3; PCSK9-Related Familial Hypercholesterolemia, Autosomal Dominant; Familial hypercholesterolemia 3. Identifiers: MedGen C1863551, MONDO:0011369, OMIM 603776.

gnomAD v4.1: 1 of 1,555,390 alleles (0.000064%); highest among the groups gnomAD compares: East Asian, 0.0024%; no homozygotes.

Submission:

All of Us Research Program, National Institutes of Health
Classification: Likely benign for Hypercholesterolemia, autosomal dominant, 3. Last evaluated: 2024-05-14. Review status: criteria provided, single submitter. Criteria: ACMG Guidelines, 2015. Collection method: clinical testing. Allele origin: germline. Inheritance: Autosomal dominant inheritance. Observed: 1 variant allele, 1 heterozygote.
Comment: This study involves interpretation of variants in research participants for the purpose of population health screening. Participant phenotype was not available at the time of variant classification. Additional details can be found in publication PMID: 35346344, PMCID: PMC8962531